The following is an entry in ClinVar:

ClinVar aggregate classification (germline): Likely pathogenic (1 of 4 stars; one submission).

Conditions:
Gingival fibromatosis-hypertrichosis syndrome. Also called: HYPERTRICHOSIS, CONGENITAL GENERALIZED, 3, WITH OR WITHOUT GINGIVAL HYPERPLASIA. Identifiers: Orphanet 2026, MedGen C1851120, MONDO:0007610, OMIM 135400.

gnomAD v4.1: 120 of 1,612,114 alleles (0.0074%); highest among the groups gnomAD compares: Admixed American, 0.11%; no homozygotes.

Submission:

First Genomix Gene Laboratory, Genetic Diagnostics Department
Classification: Likely pathogenic for Gingival fibromatosis-hypertrichosis syndrome. Last evaluated: 2025-06-17. Review status: criteria provided, single submitter. Criteria: ACMG Guidelines, 2015. Collection method: clinical testing. Allele origin: germline. Inheritance: Autosomal recessive inheritance. Affected: no. Observed: 1 variant allele.

NM_172232.4(ABCA5):c.4270G>T (p.Glu1424Ter)

Gene: ABCA5 (ATP binding cassette subfamily A member 5; minus strand). Cytogenetic location: 17q24.3.
Variant type: single nucleotide variant.
Coding change: c.4270G>T on transcript NM_172232.4 (MANE Select); coding-DNA position 4270, G replaced by T.
Protein change: p.Glu1424Ter; replaces glutamic acid 1424 with a stop codon.
Molecular consequence: nonsense.
Genome position (GRCh38, 1-based): chr17:69,253,844, C>A on the plus strand (G>T on the coding strand, the complement: ABCA5 is on the minus strand). VCF-style: chr17-69253844-C-A. GRCh37 (hg19) VCF-style: chr17-67249985-C-A.
Other names: c.4270G>T, p.Glu1424Ter (NM_018672.5); short protein forms E1424*.
Identifiers: ClinVar variation 4849385 (VCV004849385.1).